The following is an entry in ClinVar:

NM_058004.4(PI4KA):c.2149G>A (p.Ala717Thr)

Gene: PI4KA (phosphatidylinositol 4-kinase alpha; minus strand). Cytogenetic location: 22q11.21.
Variant type: single nucleotide variant.
Coding change: c.2149G>A on transcript NM_058004.4 (MANE Select); coding-DNA position 2149, G replaced by A.
Protein change: p.Ala717Thr; replaces alanine 717 with threonine.
Molecular consequence: missense variant.
Genome position (GRCh38, 1-based): chr22:20,796,274, C>T on the plus strand (G>A on the coding strand, the complement: PI4KA is on the minus strand). VCF-style: chr22-20796274-C-T. GRCh37 (hg19) VCF-style: chr22-21150562-C-T.
Other names: c.2149G>A, p.Ala717Thr (NM_001362862.2); c.2083G>A, p.Ala695Thr (NM_001362863.2); short protein forms A695T, A717T.
Identifiers: ClinVar variation 5006447 (VCV005006447.2).

ClinVar aggregate classification (germline): Uncertain significance (1 of 4 stars; one submission).

Conditions:
Gastrointestinal defects and immunodeficiency syndrome 2 (GIDID2). Also called: MULTIPLE INTESTINAL ATRESIA WITH OR WITHOUT LEUKOPENIA. Identifiers: MedGen C5676901, MONDO:0030669, OMIM 619708.
Spastic paraplegia 84, autosomal recessive (SPG84). Identifiers: Orphanet 631079, MedGen C5562025, MONDO:0030482, OMIM 619621.
Polymicrogyria, perisylvian, with cerebellar hypoplasia and arthrogryposis (NEDSPLB). Identifiers: MedGen C4225295, MONDO:0014679, OMIM 616531.

gnomAD v4.1: 4 of 1,613,860 alleles (0.00025%); highest among the groups gnomAD compares: East Asian, 0.0022%; no homozygotes.

Submission:

Juno Genomics, Hangzhou Juno Genomics, Inc
Classification: Uncertain significance for Spastic paraplegia 84, autosomal recessive; Gastrointestinal defects and immunodeficiency syndrome 2; Polymicrogyria, perisylvian, with cerebellar hypoplasia and arthrogryposis. Review status: criteria provided, single submitter. Criteria: ACMG Guidelines, 2015. Collection method: clinical testing. Allele origin: germline.
Comment: Absent from controls (or at extremely low frequency if recessive) in Genome Aggregation Database.;Missense variant in a gene that has a low rate of benign missense variation.;Multiple lines of computational evidence support a deleterious effect on the gene or gene product.